The following is an entry in ClinVar:

ClinVar aggregate classification (germline): Benign/Likely benign. Review status: criteria provided, multiple submitters, no conflicts (2 of 4 stars). 3 submissions from 3 submitters: Benign (1); Likely benign (2). Last evaluated 2026-04-15.

Conditions:
DICER1-related tumor predisposition. Also called: DICER1-related pleuropulmonary blastoma cancer predisposition syndrome; DICER1 syndrome. Identifiers: Orphanet 284343, MedGen C3839822, MONDO:0100216.
Hereditary cancer-predisposing syndrome. Also called: Hereditary neoplastic syndrome; Neoplastic Syndromes, Hereditary; Hereditary Cancer Syndrome; Tumor predisposition. Identifiers: Orphanet 140162, MedGen C0027672, MeSH D009386, MONDO:0015356.

Allele frequency attached by ClinVar (database versions not stated): ExAC 0.00001.

Submissions (3):

Myriad Genetics, Inc.
Classification: Benign for DICER1-related tumor predisposition. Last evaluated: 2026-04-15. Review status: criteria provided, single submitter. Criteria: Myriad Autosomal Dominant, Autosomal Recessive and X-Linked Classification Criteria (2023). Collection method: clinical testing. Allele origin: unknown.
Comment: This variant is considered benign. This variant is a silent/synonymous amino acid change and it is not expected to impact splicing.

Labcorp Genetics (formerly Invitae), Labcorp
Classification: Likely benign for DICER1-related tumor predisposition. Last evaluated: 2025-12-29. Review status: criteria provided, single submitter. Criteria: Invitae Variant Classification Sherloc (09022015). Collection method: clinical testing. Allele origin: germline.

Ambry Genetics
Classification: Likely benign for Hereditary cancer-predisposing syndrome. Last evaluated: 2017-02-01. Review status: criteria provided, single submitter. Criteria: Ambry Variant Classification Scheme 2023. Collection method: clinical testing. Allele origin: germline.

NM_177438.3(DICER1):c.1707A>T (p.Ile569=)

Gene: DICER1 (dicer 1, ribonuclease III; minus strand). Cytogenetic location: 14q32.13.
Variant type: single nucleotide variant.
Coding change: c.1707A>T on transcript NM_177438.3 (MANE Select); coding-DNA position 1707, A replaced by T.
Protein change: p.Ile569=; no amino-acid change (isoleucine 569 retained).
Molecular consequence: synonymous variant.
Genome position (GRCh38, 1-based): chr14:95,116,498, T>A on the plus strand (A>T on the coding strand, the complement: DICER1 is on the minus strand). VCF-style: chr14-95116498-T-A. GRCh37 (hg19) VCF-style: chr14-95582835-T-A.
Other names: c.1707A>T, p.Ile569= (NM_001195573.1, NM_001271282.3, NM_001291628.2 and 1 more transcripts).
Identifiers: ClinVar variation 242049 (VCV000242049.18), dbSNP rs774765473, ClinGen allele CA7331437.
Genomic context (GRCh38, chr14:95,116,498, plus strand): 5'-ATATGTTGATCTTACCTTTTCAATAGCTTTGTAGGTTTTAAGGTCTTCTTCAAAACTTTT[T>A]ATTTTGTCTGTATCCGCTAACATTATATAATTAGAGATGGGTGCCCTTGCTCTTCCTTTA-3'
Protein context (NP_803187.1, residues 559-579): NYIMLADTDK[Ile569=]KSFEEDLKTY